The following is an entry in ClinVar:

NM_001478.5(B4GALNT1):c.664C>T (p.Leu222=)

Gene: B4GALNT1 (beta-1,4-N-acetyl-galactosaminyltransferase 1; minus strand). Cytogenetic location: 12q13.3.
Variant type: single nucleotide variant.
Coding change: c.664C>T on transcript NM_001478.5 (MANE Select); coding-DNA position 664, C replaced by T.
Protein change: p.Leu222=; no amino-acid change (leucine 222 retained).
Molecular consequence: synonymous variant. On other transcripts: 5 prime UTR variant (4).
Genome position (GRCh38, 1-based): chr12:57,630,200, G>A on the plus strand (C>T on the coding strand, the complement: B4GALNT1 is on the minus strand). VCF-style: chr12-57630200-G-A. GRCh37 (hg19) VCF-style: chr12-58023983-G-A.
Other names: c.499C>T, p.Leu167= (NM_001276468.2, NM_001413978.1); c.664C>T, p.Leu222= (NM_001276469.2, NM_001413967.1, NM_001413968.1 and 9 more transcripts); c.-324C>T (NM_001413981.1, NM_001413982.1, NM_001413983.1 and 1 more transcripts).
Identifiers: ClinVar variation 2672509 (VCV002672509.26), dbSNP rs751454181, ClinGen allele CA6655709.

ClinVar aggregate classification (germline): Likely benign. Review status: criteria provided, multiple submitters, no conflicts (2 of 4 stars). 2 submissions from 2 submitters: Likely benign (2). Last evaluated 2023-11-01.

Conditions:
Spastic paraplegia. Identifiers: MedGen C0037772, HP:0001258.

Allele frequency attached by ClinVar (database versions not stated): TOPMed 0.00001; gnomAD exomes 0.00003; ExAC 0.00004.
gnomAD v4.1: 44 of 1,614,228 alleles (0.0027%); highest among the groups gnomAD compares: Non-Finnish European, 0.0035%; no homozygotes.

Submissions (2):

CeGaT Center for Human Genetics Tuebingen
Classification: Likely benign. Last evaluated: 2023-11-01. Review status: criteria provided, single submitter. Criteria: CeGaT Center For Human Genetics Tuebingen Variant Classification Criteria Version 2. Collection method: clinical testing. Allele origin: germline. Affected: yes. Observed: 1 variant allele.
Comment: B4GALNT1: BP4, BP7

Labcorp Genetics (formerly Invitae), Labcorp
Classification: Likely benign for Spastic paraplegia. Last evaluated: 2022-12-22. Review status: criteria provided, single submitter. Criteria: Invitae Variant Classification Sherloc (09022015). Collection method: clinical testing. Allele origin: germline.